The following is an entry in ClinVar:

ClinVar aggregate classification (germline): Uncertain significance. Review status: criteria provided, multiple submitters, no conflicts (2 of 4 stars). 2 submissions from 2 submitters: Uncertain significance (2). Last evaluated 2025-12-18.

Conditions:
Inborn genetic diseases. Identifiers: MedGen C0950123, MeSH D030342.

gnomAD v4.1: 71 of 1,609,250 alleles (0.0044%); highest among the groups gnomAD compares: South Asian, 0.067%; 1 homozygote.

Submissions (2):

Labcorp Genetics (formerly Invitae), Labcorp
Classification: Uncertain significance. Last evaluated: 2025-12-18. Review status: criteria provided, single submitter. Criteria: Invitae Variant Classification Sherloc (09022015). Collection method: clinical testing. Allele origin: germline.
Comment: This sequence change replaces arginine, which is basic and polar, with glutamine, which is neutral and polar, at codon 524 of the ITGB3 protein (p.Arg524Gln). This variant is present in population databases (rs560812344, gnomAD 0.07%). This variant has not been reported in the literature in individuals affected with ITGB3-related conditions. ClinVar contains an entry for this variant (Variation ID: 3530574). Invitae Evidence Modeling of protein sequence and biophysical properties (such as structural, functional, and spatial information, amino acid conservation, physicochemical variation, residue mobility, and thermodynamic stability) indicates that this missense variant is expected to disrupt ITGB3 protein function with a positive predictive value of 95%. In summary, the available evidence is currently insufficient to determine the role of this variant in disease. Therefore, it has been classified as a Variant of Uncertain Significance.

Ambry Genetics
Classification: Uncertain significance for Inborn genetic diseases. Last evaluated: 2024-11-14. Review status: criteria provided, single submitter. Criteria: Ambry Variant Classification Scheme 2023. Collection method: clinical testing. Allele origin: germline.

NM_000212.3(ITGB3):c.1571G>A (p.Arg524Gln)

Gene: ITGB3 (integrin subunit beta 3; plus strand). Cytogenetic location: 17q21.32.
Variant type: single nucleotide variant.
Coding change: c.1571G>A on transcript NM_000212.3 (MANE Select); coding-DNA position 1571, G replaced by A.
Protein change: p.Arg524Gln; replaces arginine 524 with glutamine.
Molecular consequence: missense variant.
Genome position (GRCh38, 1-based): chr17:47,292,449, G>A. VCF-style: chr17-47292449-G-A. GRCh37 (hg19) VCF-style: chr17-45369815-G-A.
Other names: short protein forms R524Q.
Identifiers: ClinVar variation 3530574 (VCV003530574.3).
Genomic context (GRCh38, chr17:47,292,449, plus strand): 5'-ATCGCCCTTCCCAGCAGGACGAATGCAGCCCCCGGGAGGGTCAGCCCGTCTGCAGCCAGC[G>A]GGGCGAGTGCCTCTGTGGTCAATGTGTCTGCCACAGCAGTGACTTTGGCAAGATCACGGG-3'
Protein context (NP_000203.2, residues 514-534): PREGQPVCSQ[Arg524Gln]GECLCGQCVC